The following is an entry in ClinVar:

ClinVar aggregate classification (germline): Uncertain significance (1 of 4 stars; one submission).

Submission:

GeneDx
Classification: Uncertain significance. Last evaluated: 2024-09-18. Review status: criteria provided, single submitter. Criteria: GeneDx Variant Classification Process June 2021. Collection method: clinical testing. Allele origin: germline.
Comment: Not observed at significant frequency in large population cohorts (gnomAD); In silico analysis supports that this missense variant has a deleterious effect on protein structure/function; Has not been previously published as pathogenic or benign to our knowledge; In silico analysis supports a deleterious effect on splicing

NM_001393504.1(MAST3):c.1591G>T (p.Gly531Cys)

Gene: MAST3 (microtubule associated serine/threonine kinase 3; plus strand). Cytogenetic location: 19p13.11.
Variant type: single nucleotide variant.
Coding change: c.1591G>T on transcript NM_001393504.1 (MANE Select); coding-DNA position 1591, G replaced by T.
Protein change: p.Gly531Cys; replaces glycine 531 with cysteine.
Molecular consequence: missense variant.
Genome position (GRCh38, 1-based): chr19:18,134,598, G>T. VCF-style: chr19-18134598-G-T. GRCh37 (hg19) VCF-style: chr19-18245408-G-T.
Other names: c.1522G>T, p.Gly508Cys (NM_001393518.1, NM_001393512.1, NM_001393517.1 and 2 more transcripts); c.1519G>T, p.Gly507Cys (NM_001393519.1, NM_001393511.1); c.1501G>T, p.Gly501Cys (NM_001393520.1, NM_001393515.1); c.1477G>T, p.Gly493Cys (NM_001393521.1); c.1504G>T, p.Gly502Cys (NM_015016.2, NM_001393514.1); c.1543G>T, p.Gly515Cys (NM_001393513.1, NM_001393506.1); c.1525G>T, p.Gly509Cys (NM_001393516.1, NM_001393508.1); c.1615G>T, p.Gly539Cys (NM_001393501.1); and 4 more; short protein forms G493C, G501C, G502C, G507C, G508C, G509C, G515C, G524C.
Identifiers: ClinVar variation 2413073 (VCV002413073.4), dbSNP rs2513188224, ClinGen allele CA404813811.